The following is an entry in ClinVar:

NM_016366.3(CABP2):c.46C>T (p.Pro16Ser)

Gene: CABP2 (calcium binding protein 2; minus strand). Cytogenetic location: 11q13.2.
Variant type: single nucleotide variant.
Coding change: c.46C>T on transcript NM_016366.3 (MANE Select); coding-DNA position 46, C replaced by T.
Protein change: p.Pro16Ser; replaces proline 16 with serine.
Molecular consequence: missense variant. On other transcripts: synonymous variant (1).
Genome position (GRCh38, 1-based): chr11:67,522,713, G>A on the plus strand (C>T on the coding strand, the complement: CABP2 is on the minus strand). VCF-style: chr11-67522713-G-A. GRCh37 (hg19) VCF-style: chr11-67290184-G-A.
Other names: c.60C>T, p.Thr20= (NM_001318496.2); short protein forms P16S.
Identifiers: ClinVar variation 1675263 (VCV001675263.2), dbSNP rs577524298, ClinGen allele CA224145838.

ClinVar aggregate classification (germline): Uncertain significance (1 of 4 stars; one submission).

Allele frequency attached by ClinVar (database versions not stated): gnomAD 0.00001 and 0.00003; 1000 Genomes Project 0.00020; 1000 Genomes Project 30x 0.00031.

Submission:

GeneDx
Classification: Uncertain significance. Last evaluated: 2022-03-29. Review status: criteria provided, single submitter. Criteria: GeneDx Variant Classification Process June 2021. Collection method: clinical testing. Allele origin: germline. Affected: yes.
Comment: Not observed at significant frequency in large population cohorts (gnomAD); In silico analysis supports that this missense variant does not alter protein structure/function; Has not been previously published as pathogenic or benign to our knowledge